The following is an entry in ClinVar:

NM_000428.3(LTBP2):c.4355C>T (p.Pro1452Leu)

Gene: LTBP2 (latent transforming growth factor beta binding protein 2; minus strand). Cytogenetic location: 14q24.3.
Variant type: single nucleotide variant.
Coding change: c.4355C>T on transcript NM_000428.3 (MANE Select); coding-DNA position 4355, C replaced by T.
Protein change: p.Pro1452Leu; replaces proline 1452 with leucine.
Molecular consequence: missense variant.
Genome position (GRCh38, 1-based): chr14:74,504,997, G>A on the plus strand (C>T on the coding strand, the complement: LTBP2 is on the minus strand). VCF-style: chr14-74504997-G-A. GRCh37 (hg19) VCF-style: chr14-74971700-G-A.
Other names: c.4355C>T (NM_000428.2); short protein forms P1452L.
Identifiers: ClinVar variation 1394511 (VCV001394511.7), dbSNP rs770339258, ClinGen allele CA7268791.
Genomic context (GRCh38, chr14:74,504,997, plus strand): 5'-CTTGCAGAGCTGACCCTTCGAGGATCTGGAACCCTTGGGGTCTTACCTGAGTCCTCAGAC[G>A]GGCAGAGGTCACAGGCATCTCCCCAGCTAGCGCCCTGGGTGCAGCAGCATTCAGCCTGTG-3'
Protein context (NP_000419.1, residues 1442-1462): ASWGDACDLC[Pro1452Leu]SEDSAEFSEI

ClinVar aggregate classification (germline): Uncertain significance. Review status: criteria provided, multiple submitters, no conflicts (2 of 4 stars). 3 submissions from 3 submitters: Uncertain significance (3). Last evaluated 2025-08-29.

Conditions:
LTBP2-related disorder. Also called: LTBP2-related disorders; LTBP2-related condition.
Inborn genetic diseases. Identifiers: MedGen C0950123, MeSH D030342.

Allele frequency attached by ClinVar (database versions not stated): TOPMed 0.00004; gnomAD 0.00005 and 0.00004; gnomAD exomes 0.00006 and 0.00007; ExAC 0.00010.
gnomAD v4.1: 92 of 1,614,164 alleles (0.0057%); highest among the groups gnomAD compares: South Asian, 0.031%; 1 homozygote.

Submissions (3):

Ambry Genetics
Classification: Uncertain significance for Inborn genetic diseases. Last evaluated: 2025-08-29. Review status: criteria provided, single submitter. Criteria: Ambry Variant Classification Scheme 2023. Collection method: clinical testing. Allele origin: germline.

PreventionGenetics, part of Exact Sciences
Classification: Uncertain significance for LTBP2-related condition. Last evaluated: 2024-11-09. Review status: criteria provided, single submitter. Criteria: ACMG Guidelines, 2015. Collection method: clinical testing. Allele origin: germline.
Comment: The LTBP2 c.4355C>T variant is predicted to result in the amino acid substitution p.Pro1452Leu. To our knowledge, this variant has not been reported in the literature. This variant is reported in 0.033% of alleles in individuals of South Asian descent in gnomAD. At this time, the clinical significance of this variant is uncertain due to the absence of conclusive functional and genetic evidence.

Labcorp Genetics (formerly Invitae), Labcorp
Classification: Uncertain significance. Last evaluated: 2022-07-12. Review status: criteria provided, single submitter. Criteria: Invitae Variant Classification Sherloc (09022015). Collection method: clinical testing. Allele origin: germline.
Comment: This sequence change replaces proline, which is neutral and non-polar, with leucine, which is neutral and non-polar, at codon 1452 of the LTBP2 protein (p.Pro1452Leu). This variant is present in population databases (rs770339258, gnomAD 0.03%), including at least one homozygous and/or hemizygous individual. This variant has not been reported in the literature in individuals affected with LTBP2-related conditions. ClinVar contains an entry for this variant (Variation ID: 1394511). Algorithms developed to predict the effect of missense changes on protein structure and function (SIFT, PolyPhen-2, Align-GVGD) all suggest that this variant is likely to be disruptive. In summary, the available evidence is currently insufficient to determine the role of this variant in disease. Therefore, it has been classified as a Variant of Uncertain Significance.